The following is an entry in ClinVar:

NM_000548.5(TSC2):c.4569+4G>C

Gene: TSC2 (TSC complex subunit 2; plus strand). Cytogenetic location: 16p13.3.
Variant type: single nucleotide variant.
Coding change: c.4569+4G>C on transcript NM_000548.5 (MANE Select); 4 bases into the intron after coding-DNA position 4569, G replaced by C.
Molecular consequence: intron variant.
Genome position (GRCh38, 1-based): chr16:2,085,030, G>C. VCF-style: chr16-2085030-G-C. GRCh37 (hg19) VCF-style: chr16-2135031-G-C.
Other names: c.4500+4G>C (NM_001114382.3); c.4566+4G>C (NM_001406663.1); c.4497+4G>C (NM_001406664.1); c.4440+4G>C (NM_021055.3, NM_001370405.1); c.4371+4G>C (NM_001363528.2); c.4491+4G>C (NM_001406665.1); c.4437+4G>C (NM_001370404.1); c.4368+4G>C (NM_001077183.3); and 26 more.
Identifiers: ClinVar variation 4725570 (VCV004725570.1).

ClinVar aggregate classification (germline): Uncertain significance (1 of 4 stars; one submission).

Conditions:
Tuberous sclerosis 2 (TSC2). Identifiers: Orphanet 805, MedGen C1860707, MONDO:0013199, OMIM 613254.

Submission:

Labcorp Genetics (formerly Invitae), Labcorp
Classification: Uncertain significance for Tuberous sclerosis 2. Last evaluated: 2026-01-11. Review status: criteria provided, single submitter. Criteria: Invitae Variant Classification Sherloc (09022015). Collection method: clinical testing. Allele origin: germline.
Comment: This sequence change falls in intron 35 of the TSC2 gene. It does not directly change the encoded amino acid sequence of the TSC2 protein. It affects a nucleotide within the consensus splice site. This variant is not present in population databases (gnomAD no frequency). This variant has not been reported in the literature in individuals affected with TSC2-related conditions. Variants that disrupt the consensus splice site are a relatively common cause of aberrant splicing (PMID: 17576681, 9536098). Algorithms developed to predict the effect of sequence changes on RNA splicing suggest that this variant is not likely to affect RNA splicing. In summary, the available evidence is currently insufficient to determine the role of this variant in disease. Therefore, it has been classified as a Variant of Uncertain Significance.

Literature cited by the submitters: PubMed 17576681; PubMed 9536098.